The following is an entry in ClinVar:

NM_001358530.2(MOCS1):c.99_100del (p.Glu34fs)

Gene: MOCS1 (molybdenum cofactor synthesis 1; minus strand). Cytogenetic location: 6p21.2.
Variant type: Deletion.
Coding change: c.99_100del on transcript NM_001358530.2 (MANE Select); coding-DNA positions 99 to 100, 2 bases deleted (GG; older notation c.99_100delGG).
Protein change: p.Glu34fs; shifts the reading frame from glutamic acid 34.
Molecular consequence: frameshift variant. On other transcripts: 5 prime UTR variant (2), non-coding transcript variant (1).
Genome position (GRCh38, 1-based): chr6:39,934,318-39,934,319, CC deleted on the plus strand (GG on the coding strand, the reverse complement: MOCS1 is on the minus strand); deleting any 2 consecutive bases within chr6:39,934,318-39,934,321 gives the same sequence; the c. name uses the placement nearest the transcript's 3' end. VCF-style (leftmost placement, unchanged base first): chr6-39934317-TCC-T. GRCh37 (hg19) VCF-style: chr6-39902056-TCC-T.
Other names: c.99_100del, p.Glu34fs (NM_001075098.4, NM_001358529.2); c.-36_-35del (NM_001358531.2, NM_001358533.2); short protein forms E34fs.
Identifiers: ClinVar variation 4077140 (VCV004077140.1).

ClinVar aggregate classification (germline): Likely pathogenic (1 of 4 stars; one submission).

Conditions:
Sulfite oxidase deficiency due to molybdenum cofactor deficiency type A. Also called: Molybdenum Cofactor Deficiency A; Molybdenum cofactor deficiency, complementation group A. Identifiers: Orphanet 308386, Orphanet 833, MedGen C1854988, MONDO:0009643, OMIM 252150.

Submission:

Neuberg Centre For Genomic Medicine, NCGM
Classification: Likely pathogenic for Sulfite oxidase deficiency due to molybdenum cofactor deficiency type A. Review status: criteria provided, single submitter. Criteria: ACMG Guidelines, 2015. Collection method: clinical testing. Allele origin: germline. Inheritance: Autosomal recessive inheritance. Affected: yes.
Comment: The above variant has been previously reported in an individual with Molybdenum cofactor deficiency (Reiss J et al., 2011). This variant is predicted to cause loss of normal protein function through protein truncation. Loss of function variants in this gene have been previously reported to be disease causing (Kügler S,et al., 2007). However additional evidences are required to prove the pathogenicity of the variant. For these reason, this variant has been classified as Likely pathogenic.